The following is an entry in ClinVar:

NM_000465.4(BARD1):c.365-3C>G

Gene: BARD1 (BRCA1 associated RING domain 1; minus strand). Cytogenetic location: 2q35.
Variant type: single nucleotide variant.
Coding change: c.365-3C>G on transcript NM_000465.4 (MANE Select); 3 bases into the intron before coding-DNA position 365, C replaced by G.
Molecular consequence: intron variant.
Genome position (GRCh38, 1-based): chr2:214,781,512, G>C on the plus strand (C>G on the coding strand, the complement: BARD1 is on the minus strand). VCF-style: chr2-214781512-G-C. GRCh37 (hg19) VCF-style: chr2-215646236-G-C.
Other names: c.158+27900C>G (NM_001282548.2); c.308-3C>G (NM_001282543.2); c.215+15549C>G (NM_001282545.2); c.364+10785C>G (NM_001282549.2); c.365-3C>G (NM_000465.2).
Identifiers: ClinVar variation 928710 (VCV000928710.2), dbSNP rs1695036239, ClinGen allele CA1139655758.
Genomic context (GRCh38, chr2:214,781,512, plus strand): 5'-TTCTTCTTGTTTCCTGCATCATTAAACAAACTTTTCCTAGGTTTATCTTCTTTCAAATCT[G>C]ACAGAAAAAAAGAAAAAGAAATCTGTTACATGAAATTTATTGCTCCCACATGGAGCTCCC-3'

ClinVar aggregate classification (germline): Uncertain significance. Review status: criteria provided, multiple submitters, no conflicts (2 of 4 stars). 2 submissions from 2 submitters: Uncertain significance (2). Last evaluated 2024-03-27.

Conditions:
Hereditary cancer-predisposing syndrome. Also called: Neoplastic Syndromes, Hereditary; Hereditary Cancer Syndrome; Tumor predisposition; Hereditary neoplastic syndrome. Identifiers: Orphanet 140162, MedGen C0027672, MeSH D009386, MONDO:0015356.

Submissions (2):

Ambry Genetics
Classification: Uncertain significance for Hereditary cancer-predisposing syndrome. Last evaluated: 2024-03-27. Review status: criteria provided, single submitter. Criteria: Ambry Variant Classification Scheme 2023. Collection method: clinical testing. Allele origin: germline.
Comment: The c.365-3C>G intronic variant results from a C to G substitution 3 nucleotides upstream from coding exon 4 in the BARD1 gene. This nucleotide position is well conserved in available vertebrate species. In silico splice site analysis predicts that this alteration will weaken the native splice acceptor site. Based on the available evidence, the clinical significance of this alteration remains unclear.

Women's Health and Genetics/Laboratory Corporation of America, LabCorp
Classification: Uncertain significance. Last evaluated: 2019-11-08. Review status: criteria provided, single submitter. Criteria: LabCorp Variant Classification Summary - May 2015. Collection method: clinical testing. Allele origin: germline.
Comment: Variant summary: BARD1 c.365-3C>G alters a non-conserved nucleotide located close to a canonical splice site and therefore could affect mRNA splicing, leading to a significantly altered protein sequence. Several computational tools predict an impact on normal splicing: One predicts that the variant abolishes a 3' acceptor site. Four predict that the variant weakens a 3' acceptor site. However, these predictions have yet to be confirmed by functional studies. The variant was absent in 241646 control chromosomes (gnomAD). The available data on variant occurrences in the general population are insufficient to allow any conclusion about variant significance. To our knowledge, no occurrence of c.365-3C>G in individuals affected with Breast Cancer and no experimental evidence demonstrating its impact on protein function have been reported. No clinical diagnostic laboratories have submitted clinical-significance assessments for this variant to ClinVar after 2014. Based on the evidence outlined above, the variant was classified as uncertain significance.